The following is an entry in ClinVar:

NM_000548.5(TSC2):c.1838A>G (p.Gln613Arg)

Gene: TSC2 (TSC complex subunit 2; plus strand). Cytogenetic location: 16p13.3.
Variant type: single nucleotide variant.
Coding change: c.1838A>G on transcript NM_000548.5 (MANE Select); coding-DNA position 1838, A replaced by G.
Protein change: p.Gln613Arg; replaces glutamine 613 with arginine.
Molecular consequence: missense variant.
Genome position (GRCh38, 1-based): chr16:2,070,577, A>G. VCF-style: chr16-2070577-A-G. GRCh37 (hg19) VCF-style: chr16-2120578-A-G.
Other names: c.1838A>G, p.Gln613Arg (NM_001077183.3, NM_001114382.3, NM_001363528.2 and 3 more transcripts); c.1727A>G, p.Gln576Arg (NM_001318827.2); c.1691A>G, p.Gln564Arg (NM_001318829.2); c.1238A>G, p.Gln413Arg (NM_001318831.2); c.1871A>G, p.Gln624Arg (NM_001318832.2); short protein forms Q413R, Q613R, Q624R, Q564R, Q576R.
Identifiers: ClinVar variation 1404023 (VCV001404023.11), dbSNP rs2151282389, ClinGen allele CA394273018.

ClinVar aggregate classification (germline): Uncertain significance. Review status: criteria provided, multiple submitters, no conflicts (2 of 4 stars). 4 submissions from 4 submitters: Uncertain significance (4). Last evaluated 2025-04-30.

Conditions:
Tuberous sclerosis 2 (TSC2). Identifiers: Orphanet 805, MedGen C1860707, MONDO:0013199, OMIM 613254.
Tuberous sclerosis syndrome (TSC). Also called: Tuberous Sclerosis Complex; Tuberous sclerosis. Identifiers: Orphanet 805, MedGen C0041341, MONDO:0001734.
Hereditary cancer-predisposing syndrome. Also called: Neoplastic Syndromes, Hereditary; Hereditary neoplastic syndrome; Hereditary Cancer Syndrome; Tumor predisposition. Identifiers: Orphanet 140162, MedGen C0027672, MeSH D009386, MONDO:0015356.

gnomAD v4.1: 1 of 1,613,068 alleles (0.000062%); highest among the groups gnomAD compares: Non-Finnish European, 0.000085%; no homozygotes.

Submissions (4):

Ambry Genetics
Classification: Uncertain significance for Hereditary cancer-predisposing syndrome. Last evaluated: 2025-04-30. Review status: criteria provided, single submitter. Criteria: Ambry Variant Classification Scheme 2023. Collection method: clinical testing. Allele origin: germline.
Comment: The p.Q613R variant (also known as c.1838A>G), located in coding exon 16 of the TSC2 gene, results from an A to G substitution at nucleotide position 1838. The glutamine at codon 613 is replaced by arginine, an amino acid with highly similar properties. This amino acid position is well conserved in available vertebrate species. In addition, the in silico prediction for this alteration is inconclusive. Based on the available evidence, the clinical significance of this variant remains unclear.

All of Us Research Program, National Institutes of Health
Classification: Uncertain significance for Tuberous sclerosis syndrome. Last evaluated: 2023-11-02. Review status: criteria provided, single submitter. Criteria: ACMG Guidelines, 2015. Collection method: clinical testing. Allele origin: germline. Inheritance: Autosomal dominant inheritance. Observed: 1 variant allele, 1 heterozygote.
Comment: This missense variant replaces glutamine with arginine at codon 613 of the TSC2 protein. Computational prediction is inconclusive regarding the impact of this variant on protein structure and function (internally defined REVEL score threshold 0.5 < inconclusive < 0.7, PMID: 27666373). To our knowledge, functional studies have not been reported for this variant. This variant has not been reported in individuals affected with TSC2-related disorders in the literature. This variant has not been identified in the general population by the Genome Aggregation Database (gnomAD). The available evidence is insufficient to determine the role of this variant in disease conclusively. Therefore, this variant is classified as a Variant of Uncertain Significance.

This study involves interpretation of variants in research participants for the purpose of population health screening. Participant phenotype was not available at the time of variant classification. Additional details can be found in publication PMID: 35346344, PMCID: PMC8962531

GeneDx
Classification: Uncertain significance. Last evaluated: 2022-04-08. Review status: criteria provided, single submitter. Criteria: GeneDx Variant Classification Process June 2021. Collection method: clinical testing. Allele origin: germline. Affected: yes.
Comment: Not observed at significant frequency in large population cohorts (gnomAD); In silico analysis supports that this missense variant does not alter protein structure/function; Has not been previously published as pathogenic or benign to our knowledge

Labcorp Genetics (formerly Invitae), Labcorp
Classification: Uncertain significance for Tuberous sclerosis 2. Last evaluated: 2020-12-27. Review status: criteria provided, single submitter. Criteria: Invitae Variant Classification Sherloc (09022015). Collection method: clinical testing. Allele origin: germline.
Comment: In summary, the available evidence is currently insufficient to determine the role of this variant in disease. Therefore, it has been classified as a Variant of Uncertain Significance. Algorithms developed to predict the effect of sequence changes on RNA splicing suggest that this variant may disrupt the consensus splice site, but this prediction has not been confirmed by published transcriptional studies. Algorithms developed to predict the effect of missense changes on protein structure and function (SIFT, PolyPhen-2, Align-GVGD) all suggest that this variant is likely to be tolerated, but these predictions have not been confirmed by published functional studies and their clinical significance is uncertain. This variant has not been reported in the literature in individuals with TSC2-related conditions. This variant is not present in population databases (ExAC no frequency). This sequence change replaces glutamine with arginine at codon 613 of the TSC2 protein (p.Gln613Arg). The glutamine residue is highly conserved and there is a small physicochemical difference between glutamine and arginine.